The following is an entry in ClinVar:

NM_004304.5(ALK):c.1971G>C (p.Glu657Asp)

Gene: ALK (ALK receptor tyrosine kinase; minus strand). Cytogenetic location: 2p23.2.
Variant type: single nucleotide variant.
Coding change: c.1971G>C on transcript NM_004304.5 (MANE Select); coding-DNA position 1971, G replaced by C.
Protein change: p.Glu657Asp; replaces glutamic acid 657 with aspartic acid.
Molecular consequence: missense variant.
Genome position (GRCh38, 1-based): chr2:29,275,169, C>G on the plus strand (G>C on the coding strand, the complement: ALK is on the minus strand). VCF-style: chr2-29275169-C-G. GRCh37 (hg19) VCF-style: chr2-29498035-C-G.
Other names: short protein forms E657D.
Identifiers: ClinVar variation 4869881 (VCV004869881.1).
Genomic context (GRCh38, chr2:29,275,169, plus strand): 5'-AAAGATGGGGGTCTGTCTTGGTGAATTTTCCCCGGGTTTCAGCTCCTTGTTTGGGTTTCT[C>G]TCAAACAGGTTTCTTGATTTGGGTGCTGTATTCTGCAGGATCTTGTCCTCTCCGCTAACT-3'
Protein context (NP_004295.2, residues 647-667): NTAPKSRNLF[Glu657Asp]RNPNKELKPG

ClinVar aggregate classification (germline): Uncertain significance (1 of 4 stars; one submission).

Conditions:
Hereditary cancer-predisposing syndrome. Also called: Neoplastic Syndromes, Hereditary; Tumor predisposition; Hereditary Cancer Syndrome; Hereditary neoplastic syndrome. Identifiers: Orphanet 140162, MedGen C0027672, MeSH D009386, MONDO:0015356.

Submission:

Ambry Genetics
Classification: Uncertain significance for Hereditary cancer-predisposing syndrome. Last evaluated: 2026-03-17. Review status: criteria provided, single submitter. Criteria: Ambry Variant Classification Scheme 2023. Collection method: clinical testing. Allele origin: germline.
Comment: The p.E657D variant (also known as c.1971G>C), located in coding exon 11 of the ALK gene, results from a G to C substitution at nucleotide position 1971. The glutamic acid at codon 657 is replaced by aspartic acid, an amino acid with highly similar properties. This amino acid position is conserved. In addition, this alteration is predicted to be tolerated by in silico analysis. Based on the available evidence, the clinical significance of this variant remains unclear.